The following is an entry in ClinVar:

ClinVar aggregate classification (germline): Uncertain significance (1 of 4 stars; one submission).

Conditions:
Congenital hyperammonemia, type I. Also called: Carbamoyl phosphate synthetase I deficiency disease; Carbamoyl-phosphate synthase I deficiency; CPS I DEFICIENCY; Carbamoyl phosphate synthetase 1 deficiency; Hyperammonemia due to carbamoyl phosphate synthetase 1 deficiency; CPS 1 deficiency. Identifiers: Orphanet 147, MedGen C4082171, MONDO:0009376, OMIM 237300.

Allele frequency attached by ClinVar (database versions not stated): gnomAD exomes below 0.00001.
gnomAD v4.1: 2 of 1,612,266 alleles (0.00012%); highest among the groups gnomAD compares: Admixed American, 0.0033%; no homozygotes.

Submission:

Labcorp Genetics (formerly Invitae), Labcorp
Classification: Uncertain significance for Congenital hyperammonemia, type I. Last evaluated: 2025-03-10. Review status: criteria provided, single submitter. Criteria: Invitae Variant Classification Sherloc (09022015). Collection method: clinical testing. Allele origin: germline.
Comment: This sequence change replaces threonine, which is neutral and polar, with serine, which is neutral and polar, at codon 646 of the CPS1 protein (p.Thr646Ser). This variant is present in population databases (no rsID available, gnomAD 0.006%). This variant has not been reported in the literature in individuals affected with CPS1-related conditions. ClinVar contains an entry for this variant (Variation ID: 2912088). Invitae Evidence Modeling of protein sequence and biophysical properties (such as structural, functional, and spatial information, amino acid conservation, physicochemical variation, residue mobility, and thermodynamic stability) has been performed for this missense variant. However, the output from this modeling did not meet the statistical confidence thresholds required to predict the impact of this variant on CPS1 protein function. In summary, the available evidence is currently insufficient to determine the role of this variant in disease. Therefore, it has been classified as a Variant of Uncertain Significance.

NM_001875.5(CPS1):c.1937C>G (p.Thr646Ser)

Gene: CPS1 (carbamoyl-phosphate synthase 1; plus strand). Cytogenetic location: 2q34.
Variant type: single nucleotide variant.
Coding change: c.1937C>G on transcript NM_001875.5 (MANE Select); coding-DNA position 1937, C replaced by G.
Protein change: p.Thr646Ser; replaces threonine 646 with serine.
Molecular consequence: missense variant. On other transcripts: non-coding transcript variant (2).
Genome position (GRCh38, 1-based): chr2:210,605,202, C>G. VCF-style: chr2-210605202-C-G. GRCh37 (hg19) VCF-style: chr2-211469926-C-G.
Other names: c.1937C>G, p.Thr646Ser (NM_001122633.3, NM_001369257.1); c.1970C>G, p.Thr657Ser (NM_001369256.1); short protein forms T646S, T657S.
Identifiers: ClinVar variation 2912088 (VCV002912088.3), dbSNP rs1477313306, ClinGen allele CA350438083.
Genomic context (GRCh38, chr2:210,605,202, plus strand): 5'-TGACAGGTTGGAAAGAAATAGAATATGAAGTGGTTCGAGATGCTGATGACAATTGTGTCA[C>G]TGTCTGTAACATGGAAAATGTTGATGCCATGGGTGTTCACACAGGTAGGCAAAGTATCTT-3'
Protein context (NP_001866.2, residues 636-656): VVRDADDNCV[Thr646Ser]VCNMENVDAM